The following is an entry in ClinVar:

ClinVar aggregate classification (germline): Uncertain significance. Review status: criteria provided, multiple submitters, no conflicts (2 of 4 stars). 2 submissions from 2 submitters: Uncertain significance (2). Last evaluated 2025-02-20.

Conditions:
ADGRV1-related disorder. Also called: ADGRV1-related disorders; ADGRV1-related condition.

Allele frequency attached by ClinVar (database versions not stated): gnomAD exomes below 0.00001 and 0.00001; TOPMed below 0.00001.
gnomAD v4.1: 2 of 1,566,544 alleles (0.00013%); highest among the groups gnomAD compares: Admixed American, 0.0019%; no homozygotes.

Submissions (2):

PreventionGenetics, part of Exact Sciences
Classification: Uncertain significance for ADGRV1-related condition. Last evaluated: 2025-02-20. Review status: criteria provided, single submitter. Criteria: ACMG Guidelines, 2015. Collection method: clinical testing. Allele origin: germline.
Comment: The ADGRV1 c.18502A>G variant is predicted to result in the amino acid substitution p.Thr6168Ala. To our knowledge, this variant has not been reported in the literature. This variant is present in 0.011% of alleles in individuals of Ashkenazi Jewish descent in gnomAD. At this time, the clinical significance of this variant is uncertain due to the absence of conclusive functional and genetic evidence.

Labcorp Genetics (formerly Invitae), Labcorp
Classification: Uncertain significance. Last evaluated: 2022-09-07. Review status: criteria provided, single submitter. Criteria: Invitae Variant Classification Sherloc (09022015). Collection method: clinical testing. Allele origin: germline.
Comment: This sequence change replaces threonine, which is neutral and polar, with alanine, which is neutral and non-polar, at codon 6168 of the ADGRV1 protein (p.Thr6168Ala). This variant is present in population databases (no rsID available, gnomAD 0.01%). This variant has not been reported in the literature in individuals affected with ADGRV1-related conditions. ClinVar contains an entry for this variant (Variation ID: 1353596). Algorithms developed to predict the effect of missense changes on protein structure and function are either unavailable or do not agree on the potential impact of this missense change (SIFT: "Deleterious"; PolyPhen-2: "Possibly Damaging"; Align-GVGD: "Class C0"). In summary, the available evidence is currently insufficient to determine the role of this variant in disease. Therefore, it has been classified as a Variant of Uncertain Significance.

NM_032119.4(ADGRV1):c.18502A>G (p.Thr6168Ala)

Gene: ADGRV1 (adhesion G protein-coupled receptor V1; plus strand). Cytogenetic location: 5q14.3.
Variant type: single nucleotide variant.
Coding change: c.18502A>G on transcript NM_032119.4 (MANE Select); coding-DNA position 18502, A replaced by G.
Protein change: p.Thr6168Ala; replaces threonine 6168 with alanine.
Molecular consequence: missense variant. On other transcripts: non-coding transcript variant (1).
Genome position (GRCh38, 1-based): chr5:91,150,099, A>G. VCF-style: chr5-91150099-A-G. GRCh37 (hg19) VCF-style: chr5-90445916-A-G.
Other names: c.18502A>G (NM_032119.3); short protein forms T6168A.
Identifiers: ClinVar variation 1353596 (VCV001353596.4), dbSNP rs1159721090, ClinGen allele CA360432152.